The following is an entry in ClinVar:

ClinVar aggregate classification (germline): Likely benign (0 of 4 stars; one submission).

Conditions:
MPO-related disorder. Also called: MPO-related condition.

Allele frequency attached by ClinVar (database versions not stated): TOPMed 0.00001; gnomAD 0.00011; gnomAD exomes 0.00030; ExAC 0.00093; 1000 Genomes Project 30x 0.00125; 1000 Genomes Project 0.00140.
gnomAD v4.1: 463 of 1,613,902 alleles (0.029%); highest among the groups gnomAD compares: South Asian, 0.48%; 5 homozygotes.

Submission:

PreventionGenetics, part of Exact Sciences
Classification: Likely benign for MPO-related condition. Last evaluated: 2024-01-08. Review status: no assertion criteria provided. Collection method: clinical testing. Allele origin: germline.
Comment: This variant is classified as likely benign based on ACMG/AMP sequence variant interpretation guidelines (Richards et al. 2015 PMID: 25741868, with internal and published modifications).

NM_000250.2(MPO):c.1951C>T (p.Leu651=)

Gene: MPO (myeloperoxidase; minus strand). Cytogenetic location: 17q22.
Variant type: single nucleotide variant.
Coding change: c.1951C>T on transcript NM_000250.2 (MANE Select); coding-DNA position 1951, C replaced by T.
Protein change: p.Leu651=; no amino-acid change (leucine 651 retained).
Molecular consequence: synonymous variant.
Genome position (GRCh38, 1-based): chr17:58,271,734, G>A on the plus strand (C>T on the coding strand, the complement: MPO is on the minus strand). VCF-style: chr17-58271734-G-A. GRCh37 (hg19) VCF-style: chr17-56349095-G-A.
Identifiers: ClinVar variation 3039581 (VCV003039581.2), dbSNP rs544802395, ClinGen allele CA8670476.